The following is an entry in ClinVar:

NM_001369369.1(FOXN1):c.696C>G (p.His232Gln)

Gene: FOXN1 (forkhead box N1; plus strand). Cytogenetic location: 17q11.2.
Variant type: single nucleotide variant.
Coding change: c.696C>G on transcript NM_001369369.1 (MANE Select); coding-DNA position 696, C replaced by G.
Protein change: p.His232Gln; replaces histidine 232 with glutamine.
Molecular consequence: missense variant.
Genome position (GRCh38, 1-based): chr17:28,527,358, C>G. VCF-style: chr17-28527358-C-G. GRCh37 (hg19) VCF-style: chr17-26854376-C-G.
Other names: c.696C>G, p.His232Gln (NM_003593.3); short protein forms H232Q.
Identifiers: ClinVar variation 4704400 (VCV004704400.1).
Genomic context (GRCh38, chr17:28,527,358, plus strand): 5'-GATGTTCTGCTACCAGCCTCCCTTGCAGCATATGTACTGCTCCTCCCAGCCCCCCTTCCA[C>G]CAGGTGGGTCTGGGGCAAGTGGGCCTGCTTCCCCCAGGTCTGAGGATATCGTGTGTGTGT-3'
Protein context (NP_001356298.1, residues 222-242): HMYCSSQPPF[His232Gln]QYSPGGGSYP

ClinVar aggregate classification (germline): Uncertain significance (1 of 4 stars; one submission).

Conditions:
T-cell immunodeficiency, congenital alopecia, and nail dystrophy. Also called: Congenital alopecia and nail dystrophy associated with severe functional T-cell immunodeficiency; Pignata Guarino syndrome. Identifiers: Orphanet 169095, MedGen C1866426, MONDO:0011132, OMIM 601705.

gnomAD v4.1: 2 of 1,599,080 alleles (0.00013%); highest among the groups gnomAD compares: Non-Finnish European, 0.00017%; no homozygotes.

Submission:

Labcorp Genetics (formerly Invitae), Labcorp
Classification: Uncertain significance for T-cell immunodeficiency, congenital alopecia, and nail dystrophy. Last evaluated: 2025-11-04. Review status: criteria provided, single submitter. Criteria: Invitae Variant Classification Sherloc (09022015). Collection method: clinical testing. Allele origin: germline.
Comment: This sequence change replaces histidine, which is basic and polar, with glutamine, which is neutral and polar, at codon 232 of the FOXN1 protein (p.His232Gln). This variant is not present in population databases (gnomAD no frequency). This variant has not been reported in the literature in individuals affected with FOXN1-related conditions. Invitae Evidence Modeling of protein sequence and biophysical properties (such as structural, functional, and spatial information, amino acid conservation, physicochemical variation, residue mobility, and thermodynamic stability) indicates that this missense variant is not expected to disrupt FOXN1 protein function with a negative predictive value of 80%. In summary, the available evidence is currently insufficient to determine the role of this variant in disease. Therefore, it has been classified as a Variant of Uncertain Significance.